The following is an entry in ClinVar:

NM_001199107.2(TBC1D24):c.683T>A (p.Val228Asp)

Gene: TBC1D24 (TBC1 domain family member 24; plus strand). Cytogenetic location: 16p13.3.
Variant type: single nucleotide variant.
Coding change: c.683T>A on transcript NM_001199107.2 (MANE Select); coding-DNA position 683, T replaced by A.
Protein change: p.Val228Asp; replaces valine 228 with aspartic acid.
Molecular consequence: missense variant.
Genome position (GRCh38, 1-based): chr16:2,496,831, T>A. VCF-style: chr16-2496831-T-A. GRCh37 (hg19) VCF-style: chr16-2546832-T-A.
Other names: c.683T>A, p.Val228Asp (NM_020705.3); c.683T>A (NM_001199107.1); short protein forms V228D.
Identifiers: ClinVar variation 2156117 (VCV002156117.6), dbSNP rs778090075, ClinGen allele CA7844046.

ClinVar aggregate classification (germline): Uncertain significance. Review status: criteria provided, multiple submitters, no conflicts (2 of 4 stars). 3 submissions from 3 submitters: Uncertain significance (3). Last evaluated 2026-06-22.

Conditions:
TBC1D24-related disorder. Also called: TBC1D24-related disorders; TBC1D24-related condition. Identifiers: MedGen CN381194.
Autosomal dominant nonsyndromic hearing loss 65. Also called: TBC1D24-Related Autosomal Dominant Nonsyndromic Hearing Loss (DFNA); Deafness, autosomal dominant 65. Identifiers: Orphanet 90635, MedGen C3892048, MONDO:0014470, OMIM 616044.
Developmental and epileptic encephalopathy, 1 (DEE1). Also called: Epileptic encephalopathy, early infantile, 1; X-linked infantile spasms; West's syndrome; Tonic spasms with clustering, arrest of psychomotor development and hypsarrhythmia on EEG; X-Linked Infantile Spasm Syndrome; OHTAHARA SYNDROME, X-LINKED. Identifiers: MedGen C3463992, MONDO:0010632, OMIM 308350. Disease mechanism: loss of function.

Allele frequency attached by ClinVar (database versions not stated): ExAC 0.00001; gnomAD 0.00001; gnomAD exomes 0.00001.

Submissions (3):

PreventionGenetics, part of Exact Sciences
Classification: Uncertain significance for TBC1D24-related condition. Last evaluated: 2026-06-22. Review status: criteria provided, single submitter. Criteria: ACMG Guidelines, 2015. Collection method: clinical testing. Allele origin: germline.
Comment: The TBC1D24 c.683T>A variant is predicted to result in the amino acid substitution p.Val228Asp. To our knowledge, this variant has not been reported in the literature. This variant is reported in 0.0039% of alleles in individuals of European (Non-Finnish) descent in gnomAD. At this time, the clinical significance of this variant is uncertain due to the absence of conclusive functional and genetic evidence.

Labcorp Genetics (formerly Invitae), Labcorp
Classification: Uncertain significance for Developmental and epileptic encephalopathy, 1; Autosomal dominant nonsyndromic hearing loss 65. Last evaluated: 2025-02-04. Review status: criteria provided, single submitter. Criteria: Invitae Variant Classification Sherloc (09022015). Collection method: clinical testing. Allele origin: germline.
Comment: This sequence change replaces valine, which is neutral and non-polar, with aspartic acid, which is acidic and polar, at codon 228 of the TBC1D24 protein (p.Val228Asp). This variant is present in population databases (rs778090075, gnomAD 0.004%). This variant has not been reported in the literature in individuals affected with TBC1D24-related conditions. ClinVar contains an entry for this variant (Variation ID: 2156117). Invitae Evidence Modeling of protein sequence and biophysical properties (such as structural, functional, and spatial information, amino acid conservation, physicochemical variation, residue mobility, and thermodynamic stability) indicates that this missense variant is expected to disrupt TBC1D24 protein function with a positive predictive value of 95%. In summary, the available evidence is currently insufficient to determine the role of this variant in disease. Therefore, it has been classified as a Variant of Uncertain Significance.

Revvity Omics, Revvity
Classification: Uncertain significance. Last evaluated: 2024-11-18. Review status: criteria provided, single submitter. Criteria: ACMG Guidelines, 2015. Collection method: clinical testing. Allele origin: germline.